The following is an entry in ClinVar:

NM_004113.6(FGF12):c.14-47513G>T

Gene: FGF12 (fibroblast growth factor 12; minus strand). Cytogenetic location: 3q28.
Variant type: single nucleotide variant.
Coding change: c.14-47513G>T on transcript NM_004113.6 (MANE Select); 47513 bases into the intron before coding-DNA position 14, G replaced by T.
Molecular consequence: intron variant. On other transcripts: missense variant (1).
Genome position (GRCh38, 1-based): chr3:192,408,051, C>A on the plus strand (G>T on the coding strand, the complement: FGF12 is on the minus strand). VCF-style: chr3-192408051-C-A. GRCh37 (hg19) VCF-style: chr3-192125840-C-A.
Other names: c.173G>T, p.Arg58Leu (NM_021032.5); c.-59-47513G>T (NM_001377293.1); c.14-72587G>T (NM_001377292.1); c.-60+1461G>T (NM_001377294.1); short protein forms R58L.
Identifiers: ClinVar variation 2363675 (VCV002363675.5), dbSNP rs551785451, ClinGen allele CA355866582.

ClinVar aggregate classification (germline): Uncertain significance. Review status: criteria provided, multiple submitters, no conflicts (2 of 4 stars). 2 submissions from 2 submitters: Uncertain significance (2). Last evaluated 2023-05-13.

Conditions:
Inborn genetic diseases. Identifiers: MedGen C0950123, MeSH D030342.

gnomAD v4.1: 4 of 1,611,748 alleles (0.00025%); highest among the groups gnomAD compares: Admixed American, 0.0017%; no homozygotes.

Submissions (2):

Labcorp Genetics (formerly Invitae), Labcorp
Classification: Uncertain significance. Last evaluated: 2023-05-13. Review status: criteria provided, single submitter. Criteria: Invitae Variant Classification Sherloc (09022015). Collection method: clinical testing. Allele origin: germline.
Comment: The frequency data for this variant in the population databases is considered unreliable, as metrics indicate poor data quality at this position in the gnomAD database. This sequence change replaces arginine, which is basic and polar, with leucine, which is neutral and non-polar, at codon 58 of the FGF12 protein (p.Arg58Leu). Advanced modeling of protein sequence and biophysical properties (such as structural, functional, and spatial information, amino acid conservation, physicochemical variation, residue mobility, and thermodynamic stability) performed at Invitae indicates that this missense variant is not expected to disrupt FGF12 protein function. ClinVar contains an entry for this variant (Variation ID: 2363675). This variant has not been reported in the literature in individuals affected with FGF12-related conditions. In summary, the available evidence is currently insufficient to determine the role of this variant in disease. Therefore, it has been classified as a Variant of Uncertain Significance.

Ambry Genetics
Classification: Uncertain significance for Inborn genetic diseases. Last evaluated: 2021-07-15. Review status: criteria provided, single submitter. Criteria: Ambry Variant Classification Scheme 2023. Collection method: clinical testing. Allele origin: germline.